The following is an entry in ClinVar:

NM_032119.4(ADGRV1):c.2239A>G (p.Arg747Gly)

Gene: ADGRV1 (adhesion G protein-coupled receptor V1; plus strand). Cytogenetic location: 5q14.3.
Variant type: single nucleotide variant.
Coding change: c.2239A>G on transcript NM_032119.4 (MANE Select); coding-DNA position 2239, A replaced by G.
Protein change: p.Arg747Gly; replaces arginine 747 with glycine.
Molecular consequence: missense variant. On other transcripts: non-coding transcript variant (1).
Genome position (GRCh38, 1-based): chr5:90,637,947, A>G. VCF-style: chr5-90637947-A-G. GRCh37 (hg19) VCF-style: chr5-89933764-A-G.
Other names: short protein forms R747G.
Identifiers: ClinVar variation 1382993 (VCV001382993.7), dbSNP rs766455670, ClinGen allele CA3338859.

ClinVar aggregate classification (germline): Uncertain significance. Review status: criteria provided, multiple submitters, no conflicts (2 of 4 stars). 2 submissions from 2 submitters: Uncertain significance (2). Last evaluated 2025-05-14.

Allele frequency attached by ClinVar (database versions not stated): gnomAD exomes below 0.00001 and 0.00001; ExAC 0.00001; gnomAD 0.00001; TOPMed 0.00001.
gnomAD v4.1: 18 of 1,601,748 alleles (0.0011%); highest among the groups gnomAD compares: Non-Finnish European, 0.0015%; no homozygotes.

Submissions (2):

Labcorp Genetics (formerly Invitae), Labcorp
Classification: Uncertain significance. Last evaluated: 2025-05-14. Review status: criteria provided, single submitter. Criteria: Invitae Variant Classification Sherloc (09022015). Collection method: clinical testing. Allele origin: germline.
Comment: This sequence change replaces arginine, which is basic and polar, with glycine, which is neutral and non-polar, at codon 747 of the ADGRV1 protein (p.Arg747Gly). This variant is present in population databases (rs766455670, gnomAD 0.0009%). This missense change has been observed in individual(s) with inherited retinal disease (PMID: 38219857). ClinVar contains an entry for this variant (Variation ID: 1382993). An algorithm developed to predict the effect of missense changes on protein structure and function (PolyPhen-2) suggests that this variant is likely to be disruptive. Algorithms developed to predict the effect of sequence changes on RNA splicing suggest that this variant may disrupt the consensus splice site. In summary, the available evidence is currently insufficient to determine the role of this variant in disease. Therefore, it has been classified as a Variant of Uncertain Significance.

Blueprint Genetics
Classification: Uncertain significance. Last evaluated: 2024-07-25. Review status: criteria provided, single submitter. Criteria: ACMG Guidelines, 2015. Collection method: clinical testing. Allele origin: germline.

Literature cited by the submitters: PubMed 38219857 (cited by Labcorp Genetics (formerly Invitae), Labcorp).